The following is an entry in ClinVar:

NM_003937.3(KYNU):c.1082_1083del (p.Ser361fs)

Gene: KYNU (kynureninase; plus strand). Cytogenetic location: 2q22.2.
Variant type: Deletion.
Coding change: c.1082_1083del on transcript NM_003937.3 (MANE Select); coding-DNA positions 1082 to 1083, 2 bases deleted (CT; older notation c.1082_1083delCT).
Protein change: p.Ser361fs; shifts the reading frame from serine 361.
Molecular consequence: frameshift variant.
Genome position (GRCh38, 1-based): chr2:143,040,468-143,040,469, CT deleted; deleting any 2 consecutive bases within chr2:143,040,467-143,040,469 gives the same sequence; the c. name uses the placement nearest the transcript's 3' end. VCF-style (leftmost placement, unchanged base first): chr2-143040466-ATC-A. GRCh37 (hg19) VCF-style: chr2-143798035-ATC-A.
Other names: c.1082_1083del, p.Ser361fs (NM_001199241.2); short protein forms S361fs.
Identifiers: ClinVar variation 5006077 (VCV005006077.2).

ClinVar aggregate classification (germline): Likely pathogenic (1 of 4 stars; one submission).

Conditions:
Hydroxykynureninuria. Also called: Xanthurenic aciduria; Kynureninase deficiency; Encephalopathy due to hydroxykynureninuria. Identifiers: Orphanet 79155, MedGen C0268474, MONDO:0009372, OMIM 236800.
Vertebral, cardiac, renal, and limb defects syndrome 2. Also called: KYNURENINASE DEFICIENCY, COMPLETE; CONGENITAL NAD DEFICIENCY DISORDER 2. Identifiers: MedGen C4540014, MONDO:0060555, OMIM 617661.

Submission:

Juno Genomics, Hangzhou Juno Genomics, Inc
Classification: Likely pathogenic for Hydroxykynureninuria; Vertebral, cardiac, renal, and limb defects syndrome 2. Review status: criteria provided, single submitter. Criteria: ACMG Guidelines, 2015. Collection method: clinical testing. Allele origin: germline.
Comment: Null variant in a gene where loss of function (LOF) is a known mechanism of disease.;Absent from controls (or at extremely low frequency if recessive) in Genome Aggregation Database.